The following is an entry in ClinVar:

NM_001377458.1(CLCC1):c.1102A>G (p.Ser368Gly)

Gene: CLCC1 (chloride channel CLIC like 1; minus strand). Cytogenetic location: 1p13.3.
Variant type: single nucleotide variant.
Coding change: c.1102A>G on transcript NM_001377458.1 (MANE Select); coding-DNA position 1102, A replaced by G.
Protein change: p.Ser368Gly; replaces serine 368 with glycine.
Molecular consequence: missense variant. On other transcripts: non-coding transcript variant (1).
Genome position (GRCh38, 1-based): chr1:108,937,358, T>C on the plus strand (A>G on the coding strand, the complement: CLCC1 is on the minus strand). VCF-style: chr1-108937358-T-C. GRCh37 (hg19) VCF-style: chr1-109479980-T-C.
Other names: c.1102A>G, p.Ser368Gly (NM_001048210.3, NM_001377459.1, NM_001377460.1 and 8 more transcripts); c.739A>G, p.Ser247Gly (NM_001278202.2); c.547A>G, p.Ser183Gly (NM_001278203.1); c.1000A>G, p.Ser334Gly (NM_001377469.1); c.811A>G, p.Ser271Gly (NM_001377470.1); c.952A>G, p.Ser318Gly (NM_015127.5); short protein forms S334G, S183G, S247G, S318G, S271G, S368G.
Identifiers: ClinVar variation 2111216 (VCV002111216.4), dbSNP rs1383205785, ClinGen allele CA341458169.
Genomic context (GRCh38, chr1:108,937,358, plus strand): 5'-TATAATCAATTTCCTCCTGCCGTCTTCTATCCCGTGGCCGAAGTGCCTGGGGAGGTTCGC[T>C]CTCAGGACCGCCTATATGTCTCAGCACATGAACTGATTTTCCAGCACCATAGCAGAAACT-3'
Protein context (NP_001364387.1, residues 358-378): HVLRHIGGPE[Ser368Gly]EPPQALRPRD

ClinVar aggregate classification (germline): Uncertain significance (1 of 4 stars; one submission).

Submission:

Labcorp Genetics (formerly Invitae), Labcorp
Classification: Uncertain significance. Last evaluated: 2022-03-13. Review status: criteria provided, single submitter. Criteria: Invitae Variant Classification Sherloc (09022015). Collection method: clinical testing. Allele origin: germline.
Comment: This variant has not been reported in the literature in individuals affected with CLCC1-related conditions. In summary, the available evidence is currently insufficient to determine the role of this variant in disease. Therefore, it has been classified as a Variant of Uncertain Significance. Algorithms developed to predict the effect of missense changes on protein structure and function are either unavailable or do not agree on the potential impact of this missense change (SIFT: "Deleterious"; PolyPhen-2: "Benign"; Align-GVGD: "Class C0"). This variant is not present in population databases (gnomAD no frequency). This sequence change replaces serine, which is neutral and polar, with glycine, which is neutral and non-polar, at codon 368 of the CLCC1 protein (p.Ser368Gly).